The following is an entry in ClinVar:

NM_003001.5(SDHC):c.238G>A (p.Ala80Thr)

Gene: SDHC (succinate dehydrogenase complex subunit C; plus strand). Cytogenetic location: 1q23.3.
Variant type: single nucleotide variant.
Coding change: c.238G>A on transcript NM_003001.5 (MANE Select); coding-DNA position 238, G replaced by A.
Protein change: p.Ala80Thr; replaces alanine 80 with threonine.
Molecular consequence: missense variant.
Genome position (GRCh38, 1-based): chr1:161,340,652, G>A. VCF-style: chr1-161340652-G-A. GRCh37 (hg19) VCF-style: chr1-161310442-G-A.
Other names: c.238G>A, p.Ala80Thr (NM_001035511.3); c.136G>A, p.Ala46Thr (NM_001035512.3, NM_001278172.3); c.79G>A, p.Ala27Thr (NM_001035513.3); c.358G>A, p.Ala120Thr (NM_001407115.1); c.181G>A, p.Ala61Thr (NM_001407116.1, NM_001407121.1); c.127G>A, p.Ala43Thr (NM_001407119.1, NM_001407120.1); short protein forms A80T, A46T, A27T, A43T, A120T, A61T.
Identifiers: ClinVar variation 407045 (VCV000407045.16), dbSNP rs149375851, ClinGen allele CA046616.
Genomic context (GRCh38, chr1:161,340,652, plus strand): 5'-AGTTGGTCTCTTCCCATGGCGATGTCCATCTGCCACCGTGGCACTGGTATTGCTTTGAGT[G>A]CAGGTATGTATATGTGTTTTTACACACACATATGTGCTTCTTTGAAAAACTTGGCTGTTT-3'
Protein context (NP_002992.1, residues 70-90): CHRGTGIALS[Ala80Thr]GVSLFGMSAL

ClinVar aggregate classification (germline): Uncertain significance. Review status: criteria provided, multiple submitters, no conflicts (2 of 4 stars). 3 submissions from 3 submitters: Uncertain significance (3). Last evaluated 2025-12-22.

Conditions:
Pheochromocytoma/paraganglioma syndrome 3. Also called: GLOMUS TUMORS, FAMILIAL, 3; SDHC-Related Hereditary Paraganglioma-Pheochromocytoma Syndrome (Paragangliomas 3); Paragangliomas 3; SDHC-Related Hereditary Paraganglioma-Pheochromocytoma Syndrome. Identifiers: Orphanet 29072, MedGen C1854336, MONDO:0011544, OMIM 605373.
Gastrointestinal stromal tumor. Also called: Gastrointestinal stromal tumor, somatic; Gastrointestinal stroma tumor. Identifiers: Orphanet 44890, MedGen C0238198, MeSH D046152, MONDO:0011719, OMIM 606764, HP:0100723.
Hereditary cancer-predisposing syndrome. Also called: Neoplastic Syndromes, Hereditary; Hereditary Cancer Syndrome; Hereditary neoplastic syndrome; Tumor predisposition. Identifiers: Orphanet 140162, MedGen C0027672, MeSH D009386, MONDO:0015356.
Hereditary pheochromocytoma and paraganglioma. Also called: Hereditary Paraganglioma-Pheochromocytoma Syndromes; Hereditary pheochromocytoma-paraganglioma; Hereditary paragangliomas and pheochromocytomas. Identifiers: Orphanet 29072, MedGen C4274332, MONDO:0017366.

Allele frequency attached by ClinVar (database versions not stated): gnomAD 0.00001; gnomAD exomes 0.00001; TOPMed 0.00001; ExAC 0.00002; ESP Exome Variant Server 0.00008.

Submissions (3):

Ambry Genetics
Classification: Uncertain significance for Hereditary cancer-predisposing syndrome. Last evaluated: 2025-12-22. Review status: criteria provided, single submitter. Criteria: Ambry Variant Classification Scheme 2023. Collection method: clinical testing. Allele origin: germline.
Comment: The p.A80T variant (also known as c.238G>A), located in coding exon 4 of the SDHC gene, results from a G to A substitution at nucleotide position 238. The alanine at codon 80 is replaced by threonine, an amino acid with similar properties. This amino acid position is not well conserved in available vertebrate species. In addition, the in silico prediction for this alteration is inconclusive. Based on the available evidence, the clinical significance of this variant remains unclear.

Labcorp Genetics (formerly Invitae), Labcorp
Classification: Uncertain significance for Pheochromocytoma/paraganglioma syndrome 3; Gastrointestinal stromal tumor. Last evaluated: 2025-11-17. Review status: criteria provided, single submitter. Criteria: Invitae Variant Classification Sherloc (09022015). Collection method: clinical testing. Allele origin: germline.
Comment: This sequence change replaces alanine, which is neutral and non-polar, with threonine, which is neutral and polar, at codon 80 of the SDHC protein (p.Ala80Thr). This variant is present in population databases (rs149375851, gnomAD 0.0009%). This variant has not been reported in the literature in individuals affected with SDHC-related conditions. ClinVar contains an entry for this variant (Variation ID: 407045). Invitae Evidence Modeling of protein sequence and biophysical properties (such as structural, functional, and spatial information, amino acid conservation, physicochemical variation, residue mobility, and thermodynamic stability) indicates that this missense variant is expected to disrupt SDHC protein function with a positive predictive value of 95%. In summary, the available evidence is currently insufficient to determine the role of this variant in disease. Therefore, it has been classified as a Variant of Uncertain Significance.

All of Us Research Program, National Institutes of Health
Classification: Uncertain significance for Hereditary pheochromocytoma and paraganglioma. Last evaluated: 2024-06-11. Review status: criteria provided, single submitter. Criteria: ACMG Guidelines, 2015. Collection method: clinical testing. Allele origin: germline. Inheritance: Autosomal dominant inheritance. Observed: 7 variant alleles, 7 heterozygotes.
Comment: This missense variant replaces alanine with threonine at codon 80 of the SDHC protein. Computational prediction suggests that this variant may not impact protein structure and function (internally defined REVEL score threshold <= 0.5, PMID: 27666373). To our knowledge, functional studies have not been reported for this variant. This variant has not been reported in individuals affected with SDHC-related disorders in the literature. This variant has been identified in 2/248946 chromosomes in the general population by the Genome Aggregation Database (gnomAD). The available evidence is insufficient to determine the role of this variant in disease conclusively. Therefore, this variant is classified as a Variant of Uncertain Significance.

This study involves interpretation of variants in research participants for the purpose of population health screening. Participant phenotype was not available at the time of variant classification. Additional details can be found in publication PMID: 35346344, PMCID: PMC8962531